The following is an entry in ClinVar:

ClinVar aggregate classification (germline): Uncertain significance. Review status: criteria provided, multiple submitters, no conflicts (2 of 4 stars). 6 submissions from 6 submitters: Uncertain significance (6). Last evaluated 2026-03-03.

Conditions:
Dilated cardiomyopathy 1G (CMD1G). Identifiers: Orphanet 154, MedGen C1858763, MONDO:0011400, OMIM 604145.
Autosomal recessive limb-girdle muscular dystrophy type 2J (LGMDR10). Also called: Limb-girdle muscular dystrophy, type 2J; MUSCULAR DYSTROPHY, LIMB-GIRDLE, AUTOSOMAL RECESSIVE 10. Identifiers: Orphanet 140922, MedGen C1837342, MONDO:0012127, OMIM 608807.
Tibial muscular dystrophy (TMD). Also called: UDD MYOPATHY; Udd Distal Myopathy – Tibial Muscular Dystrophy; Tibial muscular dystrophy, tardive. Identifiers: Orphanet 609, MedGen C1838244, MONDO:0010870, OMIM 600334.
Early-onset myopathy with fatal cardiomyopathy (CMYO5). Also called: Salih Myopathy; CONGENITAL MYOPATHY 5 WITH CARDIOMYOPATHY. Identifiers: Orphanet 289377, MedGen C2673677, MONDO:0012714, OMIM 611705. Disease mechanism: loss of function.
Hypertrophic cardiomyopathy 9. Also called: Familial hypertrophic cardiomyopathy 9. Identifiers: MedGen C1861065, MONDO:0013412, OMIM 613765.
Myopathy, myofibrillar, 9, with early respiratory failure (MFM9). Also called: Hereditary myopathy with early respiratory failure; EDSTROM MYOPATHY; MYOPATHY, PROXIMAL, WITH EARLY RESPIRATORY MUSCLE INVOLVEMENT; Myopathy, distal, with early respiratory failure, autosomal dominant. Identifiers: Orphanet 178464, Orphanet 34521, MedGen C1863599, MONDO:0011362, OMIM 603689.

Allele frequency attached by ClinVar (database versions not stated): ExAC 0.00003; gnomAD 0.00003 and 0.00004; TOPMed 0.00003; ESP Exome Variant Server 0.00008.
gnomAD v4.1: 150 of 1,609,370 alleles (0.0093%); highest among the groups gnomAD compares: Non-Finnish European, 0.013%; no homozygotes.

Submissions (6):

Women's Health and Genetics/Laboratory Corporation of America, LabCorp
Classification: Uncertain significance. Last evaluated: 2026-03-03. Review status: criteria provided, single submitter. Criteria: LabCorp Variant Classification Summary - May 2015. Collection method: clinical testing. Allele origin: germline.
Comment: Variant summary: TTN c.30295G>A (p.Val10099Ile) results in a conservative amino acid change in the encoded protein sequence. Algorithms developed to predict the effect of missense changes on protein structure and function all suggest that this variant is likely to be tolerated. The variant allele was found at a frequency of 2e-05 in 246258 control chromosomes. The available data on variant occurrences in the general population are insufficient to allow any conclusion about variant significance. c.30295G>A has been reported as a VUS in the heterozygous state in an individual with a muscular dystrophy phenotype who was suspected of having a dysferlinopathy but a conclusive diagnosis was not determined (Rufibach_2023). This report does not provide unequivocal conclusions about association of the variant with TTN-related conditions. To our knowledge, no experimental evidence demonstrating an impact on protein function has been reported. The following publication has been ascertained in the context of this evaluation (PMID: 36983702). ClinVar contains an entry for this variant (Variation ID: 281960). Based on the evidence outlined above, the variant was classified as uncertain significance.

Mayo Clinic Laboratories, Mayo Clinic
Classification: Uncertain significance. Last evaluated: 2023-05-09. Review status: criteria provided, single submitter. Criteria: ACMG Guidelines, 2015. Collection method: clinical testing. Allele origin: germline. Observed: 1 variant allele.
Comment: BP4

Fulgent Genetics
Classification: Uncertain significance for Tibial muscular dystrophy; Myopathy, myofibrillar, 9, with early respiratory failure; Dilated cardiomyopathy 1G; Autosomal recessive limb-girdle muscular dystrophy type 2J; Early-onset myopathy with fatal cardiomyopathy; Hypertrophic cardiomyopathy 9. Last evaluated: 2022-01-19. Review status: criteria provided, single submitter. Criteria: ACMG Guidelines, 2015. Collection method: clinical testing. Allele origin: unknown.

Revvity Omics, Revvity
Classification: Uncertain significance. Last evaluated: 2019-01-10. Review status: criteria provided, single submitter. Criteria: ACMG Guidelines, 2015. Collection method: clinical testing. Allele origin: germline.

Labcorp Genetics (formerly Invitae), Labcorp
Classification: Uncertain significance for Dilated cardiomyopathy 1G; Autosomal recessive limb-girdle muscular dystrophy type 2J. Last evaluated: 2017-06-27. Review status: criteria provided, single submitter. Criteria: Invitae Variant Classification Sherloc (09022015). Collection method: clinical testing. Allele origin: germline.

Eurofins Ntd Llc (ga)
Classification: Uncertain significance. Last evaluated: 2015-07-14. Review status: criteria provided, single submitter. Criteria: EGL Classification Definitions 2015. Collection method: clinical testing. Allele origin: germline. Observed: 1 variant allele, 1 heterozygote.

Literature cited by the submitters: PubMed 36983702 (cited by Women's Health and Genetics/Laboratory Corporation of America, LabCorp).

NM_001267550.2(TTN):c.34027G>A (p.Val11343Ile)

Gene: TTN (titin; minus strand). Cytogenetic location: 2q31.2.
Variant type: single nucleotide variant.
Coding change: c.34027G>A on transcript NM_001267550.2 (MANE Select); coding-DNA position 34027, G replaced by A.
Protein change: p.Val11343Ile; replaces valine 11343 with isoleucine.
Molecular consequence: missense variant. On other transcripts: intron variant (3).
Genome position (GRCh38, 1-based): chr2:178,677,885, C>T on the plus strand (G>A on the coding strand, the complement: TTN is on the minus strand). VCF-style: chr2-178677885-C-T. GRCh37 (hg19) VCF-style: chr2-179542612-C-T.
Other names: p.Val10099Ile; c.33076G>A, p.Val11026Ile (NM_001256850.1); c.30295G>A, p.Val10099Ile (NM_133378.4); c.13283-35568G>A (NM_003319.4); c.13859-35568G>A (NM_133437.4); c.13658-35568G>A (NM_133432.3); short protein forms V10099I, V11026I, V11343I.
Identifiers: ClinVar variation 281960 (VCV000281960.13), dbSNP rs369025108, ClinGen allele CA1998153.
Genomic context (GRCh38, chr2:178,677,885, plus strand): 5'-CTTCCTCTTCAGGAACAATTTCTTCTTCAAATAGAACTTCCTCTTCCTGAGGTAGAGCTA[C>T]AGGAACTGGAACTGGTTCACGTTTCTTTGGCACTTTAAAGATATTTATTCAAGGGTACAA-3'
Protein context (NP_001254479.2, residues 11333-11353): PKKREPVPVP[Val11343Ile]ALPQEEEVLF